The following is an entry in ClinVar:

NM_004006.3(DMD):c.8312A>C (p.Asp2771Ala)

Gene: DMD (dystrophin; minus strand). Cytogenetic location: Xp21.1.
Variant type: single nucleotide variant.
Coding change: c.8312A>C on transcript NM_004006.3 (MANE Select); coding-DNA position 8312, A replaced by C.
Protein change: p.Asp2771Ala; replaces aspartic acid 2771 with alanine.
Molecular consequence: missense variant.
Genome position (GRCh38, 1-based): chrX:31,507,359, T>G on the plus strand (A>C on the coding strand, the complement: DMD is on the minus strand). VCF-style: chrX-31507359-T-G. GRCh37 (hg19) VCF-style: chrX-31525476-T-G.
Other names: c.8288A>C, p.Asp2763Ala (NM_000109.4); c.8300A>C, p.Asp2767Ala (NM_004009.3); c.7943A>C, p.Asp2648Ala (NM_004010.3); c.4289A>C, p.Asp1430Ala (NM_004011.4); c.4280A>C, p.Asp1427Ala (NM_004012.4); c.932A>C, p.Asp311Ala (NM_004013.3, NM_004020.4, NM_004021.3 and 2 more transcripts); c.125A>C, p.Asp42Ala (NM_004014.3); short protein forms D2771A, D2648A, D2763A, D2767A, D311A, D1430A, D42A, D1427A.
Identifiers: ClinVar variation 635241 (VCV000635241.20), dbSNP rs376720228, ClinGen allele CA10378096.

ClinVar aggregate classification (germline): Conflicting classifications of pathogenicity. Review status: criteria provided, conflicting classifications (1 of 4 stars). 6 submissions from 6 submitters: Uncertain significance (2); Likely benign (4). Last evaluated 2026-09-21.

Conditions:
Cardiovascular phenotype. Identifiers: MedGen CN230736.
Duchenne muscular dystrophy (DMD). Also called: MUSCULAR DYSTROPHY, PSEUDOHYPERTROPHIC PROGRESSIVE, DUCHENNE TYPE; Duchenne Muscular Dystrophy (DMD). Identifiers: Orphanet 98896, MedGen C0013264, MONDO:0010679, OMIM 310200.

Allele frequency attached by ClinVar (database versions not stated): gnomAD 0.00013 and 0.00014; TOPMed 0.00012; gnomAD exomes 0.00001 and 0.00003; ESP Exome Variant Server 0.00028; ExAC 0.00005.
gnomAD v4.1: 28 of 1,209,905 alleles (0.0023%); highest among the groups gnomAD compares: African/African-American, 0.038%; no homozygotes.

Submissions (6):

Molecular Diagnostic Laboratory for Inherited Cardiovascular Disease, Montreal Heart Institute
Classification: Likely benign. Last evaluated: 2026-09-21. Review status: criteria provided, single submitter. Criteria: ACMG Guidelines, 2015. Collection method: clinical testing. Allele origin: germline. Affected: no.
Comment: BS1;BP4:BP1

Women's Health and Genetics/Laboratory Corporation of America, LabCorp
Classification: Likely benign. Last evaluated: 2026-03-16. Review status: criteria provided, single submitter. Criteria: LabCorp Variant Classification Summary - May 2015. Collection method: clinical testing. Allele origin: germline.
Comment: Variant summary: DMD c.8312A>C (p.Asp2771Ala) results in a non-conservative amino acid change in the encoded protein sequence. Algorithms developed to predict the effect of missense changes on protein structure and function are either unavailable or do not agree on the potential impact of this missense change. The variant allele was found at a frequency of 2.3e-05 in 1209905 control chromosomes. The observed variant frequency exceeds the estimated maximal expected allele frequency for disease-causing variants in DMD. To our knowledge, no occurrence of c.8312A>C in individuals affected with DMD-related conditions and no experimental evidence demonstrating its impact on protein function have been reported. ClinVar contains an entry for this variant (Variation ID: 635241). Based on the evidence outlined above, the variant was classified as likely benign.

Labcorp Genetics (formerly Invitae), Labcorp
Classification: Likely benign for Duchenne muscular dystrophy. Last evaluated: 2026-01-28. Review status: criteria provided, single submitter. Criteria: Invitae Variant Classification Sherloc (09022015). Collection method: clinical testing. Allele origin: germline.

Ambry Genetics
Classification: Likely benign for Cardiovascular phenotype. Last evaluated: 2024-05-17. Review status: criteria provided, single submitter. Criteria: Ambry Variant Classification Scheme 2023. Collection method: clinical testing. Allele origin: germline.

GeneDx
Classification: Uncertain significance. Last evaluated: 2020-01-17. Review status: criteria provided, single submitter. Criteria: GeneDx Variant Classification Process June 2021. Collection method: clinical testing. Allele origin: germline. Affected: yes.
Comment: Has not been previously published as pathogenic or benign to our knowledge; In silico analysis, which includes protein predictors and evolutionary conservation, supports a deleterious effect

Stanford Center for Inherited Cardiovascular Disease, Stanford University
Classification: Uncertain significance. Last evaluated: 2017-04-21. Review status: criteria provided, single submitter. Criteria: ACMG Guidelines, 2015. Collection method: provider interpretation. Allele origin: germline.